The following is an entry in ClinVar:

NM_199141.2(CARM1):c.362A>T (p.Tyr121Phe)

Gene: CARM1 (coactivator associated arginine methyltransferase 1; plus strand). Cytogenetic location: 19p13.2.
Variant type: single nucleotide variant.
Coding change: c.362A>T on transcript NM_199141.2 (MANE Select); coding-DNA position 362, A replaced by T.
Protein change: p.Tyr121Phe; replaces tyrosine 121 with phenylalanine.
Molecular consequence: missense variant.
Genome position (GRCh38, 1-based): chr19:10,908,054, A>T. VCF-style: chr19-10908054-A-T. GRCh37 (hg19) VCF-style: chr19-11018730-A-T.
Other names: c.362A>T, p.Tyr121Phe (NM_001370088.1); c.257A>T, p.Tyr86Phe (NM_001370089.1); short protein forms Y121F, Y86F.
Identifiers: ClinVar variation 992650 (VCV000992650.1), dbSNP rs769691938, ClinGen allele CA404053954.

ClinVar aggregate classification (germline): Uncertain significance (1 of 4 stars; one submission).

Submission:

HudsonAlpha Institute for Biotechnology
Classification: Uncertain significance. Last evaluated: 2020-11-13. Review status: criteria provided, single submitter. Criteria: ACMG Guidelines, 2015. Collection method: research. Allele origin: de novo. Observed: 1 variant allele. Study: CSER-SouthSeq.
Comment: ACMG codes:PM2